The following is an entry in ClinVar:

ClinVar aggregate classification (germline): Likely pathogenic (1 of 4 stars; one submission).

Conditions:
3-methylglutaconic aciduria type 1 (MGCA1). Identifiers: Orphanet 67046, MedGen C0342727, MONDO:0009610, OMIM 250950.

Submission:

Labcorp Genetics (formerly Invitae), Labcorp
Classification: Likely pathogenic for 3-methylglutaconic aciduria type 1. Last evaluated: 2022-08-23. Review status: criteria provided, single submitter. Criteria: Invitae Variant Classification Sherloc (09022015). Collection method: clinical testing. Allele origin: germline.
Comment: In summary, the currently available evidence indicates that the variant is pathogenic, but additional data are needed to prove that conclusively. Therefore, this variant has been classified as Likely Pathogenic. Algorithms developed to predict the effect of sequence changes on RNA splicing suggest that this variant may disrupt the consensus splice site. ClinVar contains an entry for this variant (Variation ID: 642421). This variant has not been reported in the literature in individuals affected with AUH-related conditions. This variant is not present in population databases (gnomAD no frequency). This sequence change affects an acceptor splice site in intron 5 of the AUH gene. It is expected to disrupt RNA splicing. Variants that disrupt the donor or acceptor splice site typically lead to a loss of protein function (PMID: 16199547), and loss-of-function variants in AUH are known to be pathogenic (PMID: 12655555, 20882351).

Literature cited by the submitters: PubMed 16199547; PubMed 12655555; PubMed 20882351.

NM_001698.3(AUH):c.599-2A>G

Gene: AUH (AU RNA binding methylglutaconyl-CoA hydratase; minus strand). Cytogenetic location: 9q22.31.
Variant type: single nucleotide variant.
Coding change: c.599-2A>G on transcript NM_001698.3 (MANE Select); the canonical splice acceptor site of the intron before coding-DNA position 599, A replaced by G.
Molecular consequence: splice acceptor variant.
Genome position (GRCh38, 1-based): chr9:91,296,079, T>C on the plus strand (A>G on the coding strand, the complement: AUH is on the minus strand). VCF-style: chr9-91296079-T-C. GRCh37 (hg19) VCF-style: chr9-94058361-T-C.
Other names: c.512-2A>G (NM_001306190.2); c.272-2A>G (NM_001351433.2, NM_001351431.2, NM_001351432.2).
Identifiers: ClinVar variation 642421 (VCV000642421.9), dbSNP rs1587799880, ClinGen allele CA373836606.